The following is an entry in ClinVar:

NM_004453.4(ETFDH):c.1211T>C (p.Met404Thr)

Gene: ETFDH (electron transfer flavoprotein dehydrogenase; plus strand). Cytogenetic location: 4q32.1.
Variant type: single nucleotide variant.
Coding change: c.1211T>C on transcript NM_004453.4 (MANE Select); coding-DNA position 1211, T replaced by C.
Protein change: p.Met404Thr; replaces methionine 404 with threonine.
Molecular consequence: missense variant.
Genome position (GRCh38, 1-based): chr4:158,703,517, T>C. VCF-style: chr4-158703517-T-C. GRCh37 (hg19) VCF-style: chr4-159624669-T-C.
Other names: c.1070T>C, p.Met357Thr (NM_001281737.2); c.1028T>C, p.Met343Thr (NM_001281738.1); short protein forms M343T, M404T, M357T.
Identifiers: ClinVar variation 645788 (VCV000645788.18), dbSNP rs779253471, ClinGen allele CA3122571.

ClinVar aggregate classification (germline): Pathogenic/Likely pathogenic. Review status: criteria provided, multiple submitters, no conflicts (2 of 4 stars). 7 submissions from 7 submitters: Pathogenic (6); Likely pathogenic (1). Last evaluated 2025-09-16.

Conditions:
ETFDH-related disorder. Also called: ETFDH-related condition.
Glutaric acidemia type 2C.
Multiple acyl-CoA dehydrogenase deficiency (MADD). Also called: Glutaric Acidemia type 2; ETHYLMALONIC-ADIPICACIDURIA; GA II; Glutaric aciduria, type 2; Glutaric acidemia type II; GA 2. Identifiers: Orphanet 26791, MedGen C0268596, MONDO:0009282, OMIM 231680.

Allele frequency attached by ClinVar (database versions not stated): gnomAD exomes below 0.00001 and 0.00001; ExAC 0.00001; gnomAD 0.00001; TOPMed 0.00001.
gnomAD v4.1: 3 of 1,609,462 alleles (0.00019%); highest among the groups gnomAD compares: East Asian, 0.0045%; no homozygotes.

Submissions (7):

PreventionGenetics, part of Exact Sciences
Classification: Pathogenic for ETFDH-related condition. Last evaluated: 2025-09-16. Review status: criteria provided, single submitter. Criteria: ACMG Guidelines, 2015. Collection method: clinical testing. Allele origin: germline.
Comment: The ETFDH c.1211T>C variant is predicted to result in the amino acid substitution p.Met404Thr. This variant has been reported, in the heterozygous state along with a second plausible causative variant, in several individuals with riboflavin-responsive lipid-storage myopathy (Wen et al. 2015. PubMed ID: 25827849; Izumi et al. 2011. PubMed ID: 22041377; Wen et al. 2022. PubMed ID: 34718578). This variant was also described, in the absence of a second causative variant, in a patient with riboflavin-responsive lipid-storage myopathy (Wen et al. 2010. PubMed ID: 19758981). This variant is reported in 0.011% of alleles in individuals of East Asian descent in gnomAD. This variant is interpreted as pathogenic.

Natera, Inc.
Classification: Pathogenic for Glutaric acidemia type 2C. Last evaluated: 2025-01-17. Review status: criteria provided, single submitter. Criteria: Natera Variant Classification Schema (03/2026). Collection method: clinical testing. Allele origin: germline.
Comment: The c.1211T>C variant in ETFDH is a missense variant predicted to cause substitution of methionine to threonine at amino acid 404. This variant is rare in the general population with a frequency below the threshold expected for the associated phenotype(s). This variant has been observed in one or more individuals affected with the associated recessive disease, as either homozygous or compound heterozygous with a second variant (PMID: 30587156, 24357026, 25827849, 35734957). Given the available evidence, this variant is classified as Pathogenic.

Women's Health and Genetics/Laboratory Corporation of America, LabCorp
Classification: Pathogenic for Multiple acyl-CoA dehydrogenase deficiency. Last evaluated: 2024-10-17. Review status: criteria provided, single submitter. Criteria: LabCorp Variant Classification Summary - May 2015. Collection method: clinical testing. Allele origin: germline.
Comment: Variant summary: ETFDH c.1211T>C (p.Met404Thr) results in a non-conservative amino acid change in the encoded protein sequence. Five of five in-silico tools predict a damaging effect of the variant on protein function. The variant allele was found at a frequency of 8e-06 in 251270 control chromosomes. c.1211T>C has been reported in the literature in multiple individuals affected with Glutaric Aciduria, Type 2c (Wen_2022). These data indicate that the variant is very likely to be associated with disease. The following publication has been ascertained in the context of this evaluation (PMID: 34718578). ClinVar contains an entry for this variant (Variation ID: 645788). Based on the evidence outlined above, the variant was classified as pathogenic.

Baylor Genetics
Classification: Pathogenic for Multiple acyl-CoA dehydrogenase deficiency. Last evaluated: 2024-03-23. Review status: criteria provided, single submitter. Criteria: ACMG Guidelines, 2015. Collection method: clinical testing. Allele origin: unknown.

Labcorp Genetics (formerly Invitae), Labcorp
Classification: Pathogenic for Multiple acyl-CoA dehydrogenase deficiency. Last evaluated: 2024-01-16. Review status: criteria provided, single submitter. Criteria: Invitae Variant Classification Sherloc (09022015). Collection method: clinical testing. Allele origin: germline.
Comment: This sequence change replaces methionine, which is neutral and non-polar, with threonine, which is neutral and polar, at codon 404 of the ETFDH protein (p.Met404Thr). This variant is present in population databases (rs779253471, gnomAD 0.006%). This missense change has been observed in individuals with ETFDH-related conditions (PMID: 22041377, 24522293, 25827849, 29336361). ClinVar contains an entry for this variant (Variation ID: 645788). Advanced modeling of protein sequence and biophysical properties (such as structural, functional, and spatial information, amino acid conservation, physicochemical variation, residue mobility, and thermodynamic stability) performed at Invitae indicates that this missense variant is expected to disrupt ETFDH protein function with a positive predictive value of 80%. For these reasons, this variant has been classified as Pathogenic.

Fulgent Genetics
Classification: Likely pathogenic for Multiple acyl-CoA dehydrogenase deficiency. Last evaluated: 2022-05-13. Review status: criteria provided, single submitter. Criteria: ACMG Guidelines, 2015. Collection method: clinical testing. Allele origin: unknown.

Juno Genomics, Hangzhou Juno Genomics, Inc
Classification: Pathogenic for Multiple acyl-CoA dehydrogenase deficiency. Review status: criteria provided, single submitter. Criteria: ACMG Guidelines, 2015. Collection method: clinical testing. Allele origin: germline. Affected: yes.
Comment: Absent from controls (or at extremely low frequency if recessive) in Genome Aggregation Database, Exome Sequencing Project, 1000 Genomes Project, or Exome Aggregation Consortium.;Multiple lines of computational evidence support a deleterious effect on the gene or gene product (conservation, evolutionary, splicing impact, etc).;For recessive disorders, detected in trans with a pathogenic variant.;Patient's phenotype or family history is highly specific for a disease with a single genetic etiology.

Literature cited by the submitters: PubMed 30587156 (cited by Natera, Inc.); PubMed 24357026 (cited by Natera, Inc.); PubMed 25827849 (cited by Natera, Inc. and Labcorp Genetics (formerly Invitae), Labcorp); PubMed 35734957 (cited by Natera, Inc.); PubMed 34718578 (cited by Women's Health and Genetics/Laboratory Corporation of America, LabCorp); PubMed 22041377 (cited by Labcorp Genetics (formerly Invitae), Labcorp); PubMed 24522293 (cited by Labcorp Genetics (formerly Invitae), Labcorp); PubMed 29336361 (cited by Labcorp Genetics (formerly Invitae), Labcorp).